The following is an entry in ClinVar:

NM_020401.4(NUP107):c.262C>T (p.Arg88Ter)

Gene: NUP107 (nucleoporin 107; plus strand). Cytogenetic location: 12q15.
Variant type: single nucleotide variant.
Coding change: c.262C>T on transcript NM_020401.4 (MANE Select); coding-DNA position 262, C replaced by T.
Protein change: p.Arg88Ter; replaces arginine 88 with a stop codon.
Molecular consequence: nonsense.
Genome position (GRCh38, 1-based): chr12:68,690,705, C>T. VCF-style: chr12-68690705-C-T. GRCh37 (hg19) VCF-style: chr12-69084485-C-T.
Other names: c.175C>T, p.Arg59Ter (NM_001330192.2); short protein forms R59*, R88*.
Identifiers: ClinVar variation 1942304 (VCV001942304.5), dbSNP rs754567507, ClinGen allele CA6677361.

ClinVar aggregate classification (germline): Pathogenic (1 of 4 stars; one submission).

Allele frequency attached by ClinVar (database versions not stated): TOPMed below 0.00001; ExAC 0.00001; gnomAD 0.00001.

Submission:

Labcorp Genetics (formerly Invitae), Labcorp
Classification: Pathogenic. Last evaluated: 2024-04-29. Review status: criteria provided, single submitter. Criteria: Invitae Variant Classification Sherloc (09022015). Collection method: clinical testing. Allele origin: germline.
Comment: This sequence change creates a premature translational stop signal (p.Arg88*) in the NUP107 gene. It is expected to result in an absent or disrupted protein product. Loss-of-function variants in NUP107 are known to be pathogenic (PMID: 27190346). This variant is present in population databases (rs754567507, gnomAD 0.0009%). This variant has not been reported in the literature in individuals affected with NUP107-related conditions. ClinVar contains an entry for this variant (Variation ID: 1942304). For these reasons, this variant has been classified as Pathogenic.

Literature cited by the submitters: PubMed 27190346.